The following is an entry in ClinVar:

ClinVar aggregate classification (germline): Likely pathogenic (1 of 4 stars; one submission).

Conditions:
Hereditary cancer-predisposing syndrome. Also called: Neoplastic Syndromes, Hereditary; Tumor predisposition; Hereditary neoplastic syndrome; Hereditary Cancer Syndrome. Identifiers: Orphanet 140162, MedGen C0027672, MeSH D009386, MONDO:0015356.

Submission:

Ambry Genetics
Classification: Likely pathogenic for Hereditary cancer-predisposing syndrome. Last evaluated: 2026-07-09. Review status: criteria provided, single submitter. Criteria: Ambry Variant Classification Scheme 2023. Collection method: clinical testing. Allele origin: germline.
Comment: The c.684delG variant, located in coding exon 3 of the PHOX2B gene, results from a deletion of one nucleotide at nucleotide position 684, causing a translational frameshift with a predicted alternate stop codon (p.G231Afs*78). This variant occurs at the 3' terminus of the gene, is not expected to trigger nonsense-mediated mRNA decay, and impacts the last 27% of the protein. However, premature stop codons are typically deleterious in nature and the impacted region is critical for protein function (Ambry internal data). This variant is considered to be rare based on population cohorts in the Genome Aggregation Database (gnomAD). Based on the majority of available evidence to date, this variant is likely to be pathogenic.

NM_003924.4(PHOX2B):c.684del (p.Gly231fs)

Gene: PHOX2B (paired like homeobox 2B; minus strand). Cytogenetic location: 4p13.
Variant type: Deletion.
Coding change: c.684del on transcript NM_003924.4 (MANE Select); coding-DNA position 684, one base deleted (G; older notation c.684delG).
Protein change: p.Gly231fs; shifts the reading frame from glycine 231.
Molecular consequence: frameshift variant.
Genome position (GRCh38, 1-based): chr4:41,746,068, C deleted on the plus strand (G on the coding strand, the reverse complement: PHOX2B is on the minus strand); the first of 4 consecutive C bases (chr4:41,746,068-41,746,071); deleting any one gives the same sequence. VCF-style (leftmost placement, unchanged base first): chr4-41746067-GC-G. GRCh37 (hg19) VCF-style: chr4-41748084-GC-G.
Other names: c.684delG (NM_003924.3); short protein forms G231fs.
Identifiers: ClinVar variation 5026627 (VCV005026627.1).
Genomic context (GRCh38, chr4:41,746,067, plus strand): 5'-CCGCGGCCGCCGCCGCTGCTGCTGCGCCGCCCTTGCCGGGTTCGCCTCCCGGGCCCCCGG[GC>G]CCCGCCGCCCCCGGAGCTCCAGCCGGGCTGGGCCCGCCGCCGCCGCCTCCATTCGCCCCG-3'